The following is an entry in ClinVar:

ClinVar aggregate classification (germline): Uncertain significance (1 of 4 stars; one submission).

Submission:

Labcorp Genetics (formerly Invitae), Labcorp
Classification: Uncertain significance. Last evaluated: 2021-12-31. Review status: criteria provided, single submitter. Criteria: Invitae Variant Classification Sherloc (09022015). Collection method: clinical testing. Allele origin: germline.
Comment: This sequence change replaces proline, which is neutral and non-polar, with arginine, which is basic and polar, at codon 141 of the ANXA11 protein (p.Pro141Arg). This variant is not present in population databases (gnomAD no frequency). This variant has not been reported in the literature in individuals affected with ANXA11-related conditions. Algorithms developed to predict the effect of missense changes on protein structure and function are either unavailable or do not agree on the potential impact of this missense change (SIFT: "Tolerated"; PolyPhen-2: "Not Available"; Align-GVGD: "Class C0"). In summary, the available evidence is currently insufficient to determine the role of this variant in disease. Therefore, it has been classified as a Variant of Uncertain Significance.

NM_145868.2(ANXA11):c.422C>G (p.Pro141Arg)

Gene: ANXA11 (annexin A11; minus strand). Cytogenetic location: 10q22.3.
Variant type: single nucleotide variant.
Coding change: c.422C>G on transcript NM_145868.2 (MANE Select); coding-DNA position 422, C replaced by G.
Protein change: p.Pro141Arg; replaces proline 141 with arginine.
Molecular consequence: missense variant.
Genome position (GRCh38, 1-based): chr10:80,169,108, G>C on the plus strand (C>G on the coding strand, the complement: ANXA11 is on the minus strand). VCF-style: chr10-80169108-G-C. GRCh37 (hg19) VCF-style: chr10-81928864-G-C.
Other names: c.422C>G, p.Pro141Arg (NM_001157.3, NM_001278407.2, NM_001278408.2 and 1 more transcripts); c.323C>G, p.Pro108Arg (NM_001278409.2); short protein forms P108R, P141R.
Identifiers: ClinVar variation 1977652 (VCV001977652.5), dbSNP rs1210543643, ClinGen allele CA377368189.